The following is an entry in ClinVar:

NM_152296.5(ATP1A3):c.586A>G (p.Ile196Val)

Gene: ATP1A3 (ATPase Na+/K+ transporting subunit alpha 3; minus strand). Cytogenetic location: 19q13.2.
Variant type: single nucleotide variant.
Coding change: c.586A>G on transcript NM_152296.5 (MANE Select); coding-DNA position 586, A replaced by G.
Protein change: p.Ile196Val; replaces isoleucine 196 with valine.
Molecular consequence: missense variant.
Genome position (GRCh38, 1-based): chr19:41,985,884, T>C on the plus strand (A>G on the coding strand, the complement: ATP1A3 is on the minus strand). VCF-style: chr19-41985884-T-C. GRCh37 (hg19) VCF-style: chr19-42490036-T-C.
Other names: c.619A>G, p.Ile207Val (NM_001256213.2); c.625A>G, p.Ile209Val (NM_001256214.2); short protein forms I209V, I196V, I207V.
Identifiers: ClinVar variation 3705010 (VCV003705010.2).

ClinVar aggregate classification (germline): Uncertain significance (1 of 4 stars; one submission).

Conditions:
Dystonia 12 (DYT12). Also called: DYT-ATP1A3; Rapid-Onset Dystonia-Parkinsonism (RDP). Identifiers: Orphanet 71517, MedGen C1868681, MONDO:0007496, OMIM 128235.

Submission:

Labcorp Genetics (formerly Invitae), Labcorp
Classification: Uncertain significance for Dystonia 12. Last evaluated: 2024-04-24. Review status: criteria provided, single submitter. Criteria: Invitae Variant Classification Sherloc (09022015). Collection method: clinical testing. Allele origin: germline.
Comment: This sequence change replaces isoleucine, which is neutral and non-polar, with valine, which is neutral and non-polar, at codon 196 of the ATP1A3 protein (p.Ile196Val). This variant is not present in population databases (gnomAD no frequency). This variant has not been reported in the literature in individuals affected with ATP1A3-related conditions. Advanced modeling of protein sequence and biophysical properties (such as structural, functional, and spatial information, amino acid conservation, physicochemical variation, residue mobility, and thermodynamic stability) has been performed at Invitae for this missense variant, however the output from this modeling did not meet the statistical confidence thresholds required to predict the impact of this variant on ATP1A3 protein function. In summary, the available evidence is currently insufficient to determine the role of this variant in disease. Therefore, it has been classified as a Variant of Uncertain Significance.